The following is an entry in ClinVar:

NM_177438.3(DICER1):c.1093C>T (p.Pro365Ser)

Gene: DICER1 (dicer 1, ribonuclease III; minus strand). Cytogenetic location: 14q32.13.
Variant type: single nucleotide variant.
Coding change: c.1093C>T on transcript NM_177438.3 (MANE Select); coding-DNA position 1093, C replaced by T.
Protein change: p.Pro365Ser; replaces proline 365 with serine.
Molecular consequence: missense variant. On other transcripts: 5 prime UTR variant (1), non-coding transcript variant (6).
Genome position (GRCh38, 1-based): chr14:95,124,479, G>A on the plus strand (C>T on the coding strand, the complement: DICER1 is on the minus strand). VCF-style: chr14-95124479-G-A. GRCh37 (hg19) VCF-style: chr14-95590816-G-A.
Other names: c.1093C>T, p.Pro365Ser (NM_001195573.1, NM_001271282.3, NM_001291628.2 and 15 more transcripts); c.811C>T, p.Pro271Ser (NM_001395686.1); c.688C>T, p.Pro230Ser (NM_001395687.1, NM_001395688.1, NM_001395689.1 and 3 more transcripts); c.526C>T, p.Pro176Ser (NM_001395691.1); c.-476C>T (NM_001395697.1); short protein forms P230S, P271S, P365S, P176S.
Identifiers: ClinVar variation 1789963 (VCV001789963.6), dbSNP rs1595439559, ClinGen allele CA390886972.

ClinVar aggregate classification (germline): Uncertain significance. Review status: criteria provided, multiple submitters, no conflicts (2 of 4 stars). 2 submissions from 2 submitters: Uncertain significance (2). Last evaluated 2025-06-29.

Conditions:
Hereditary cancer-predisposing syndrome. Also called: Neoplastic Syndromes, Hereditary; Tumor predisposition; Hereditary neoplastic syndrome; Hereditary Cancer Syndrome. Identifiers: Orphanet 140162, MedGen C0027672, MeSH D009386, MONDO:0015356.
DICER1-related tumor predisposition. Also called: DICER1-related pleuropulmonary blastoma cancer predisposition syndrome; DICER1 syndrome. Identifiers: Orphanet 284343, MedGen C3839822, MONDO:0100216.

Allele frequency attached by ClinVar (database versions not stated): gnomAD exomes below 0.00001.
gnomAD v4.1: 1 of 1,614,136 alleles (0.000062%); highest among the groups gnomAD compares: Admixed American, 0.0017%; no homozygotes.

Submissions (2):

Labcorp Genetics (formerly Invitae), Labcorp
Classification: Uncertain significance for DICER1-related tumor predisposition. Last evaluated: 2025-06-29. Review status: criteria provided, single submitter. Criteria: Invitae Variant Classification Sherloc (09022015). Collection method: clinical testing. Allele origin: germline.
Comment: This sequence change replaces proline, which is neutral and non-polar, with serine, which is neutral and polar, at codon 365 of the DICER1 protein (p.Pro365Ser). This variant is not present in population databases (gnomAD no frequency). This variant has not been reported in the literature in individuals affected with DICER1-related conditions. ClinVar contains an entry for this variant (Variation ID: 1789963). Invitae Evidence Modeling of protein sequence and biophysical properties (such as structural, functional, and spatial information, amino acid conservation, physicochemical variation, residue mobility, and thermodynamic stability) indicates that this missense variant is not expected to disrupt DICER1 protein function with a negative predictive value of 95%. In summary, the available evidence is currently insufficient to determine the role of this variant in disease. Therefore, it has been classified as a Variant of Uncertain Significance.

Ambry Genetics
Classification: Uncertain significance for Hereditary cancer-predisposing syndrome. Last evaluated: 2025-06-18. Review status: criteria provided, single submitter. Criteria: Ambry Variant Classification Scheme 2023. Collection method: clinical testing. Allele origin: germline.
Comment: The p.P365S variant (also known as c.1093C>T), located in coding exon 7 of the DICER1 gene, results from a C to T substitution at nucleotide position 1093. The proline at codon 365 is replaced by serine, an amino acid with similar properties. This amino acid position is highly conserved in available vertebrate species. In addition, the in silico prediction for this alteration is inconclusive. Based on the available evidence, the clinical significance of this variant remains unclear.